The following is an entry in ClinVar:

ClinVar aggregate classification (germline): Uncertain significance (1 of 4 stars; one submission).

Conditions:
Immunodeficiency 28 (IMD28). Also called: IFNGR2 DEFICIENCY. Identifiers: Orphanet 319547, Orphanet 319574, MedGen C4013947, MONDO:0013953, OMIM 614889.

Submission:

Labcorp Genetics (formerly Invitae), Labcorp
Classification: Uncertain significance for Immunodeficiency 28. Last evaluated: 2022-08-09. Review status: criteria provided, single submitter. Criteria: Invitae Variant Classification Sherloc (09022015). Collection method: clinical testing. Allele origin: germline.
Comment: This variant, c.993_995del, results in the deletion of 1 amino acid(s) of the IFNGR2 protein (p.Glu331del), but otherwise preserves the integrity of the reading frame. This variant is present in population databases (rs760530034, gnomAD 0.01%). This variant has not been reported in the literature in individuals affected with IFNGR2-related conditions. Experimental studies and prediction algorithms are not available or were not evaluated, and the functional significance of this variant is currently unknown. In summary, the available evidence is currently insufficient to determine the role of this variant in disease. Therefore, it has been classified as a Variant of Uncertain Significance.

NM_005534.4(IFNGR2):c.990AGA[1] (p.Glu331del)

Genes: IFNGR2 (interferon gamma receptor 2; plus strand), TMEM50B (transmembrane protein 50B; minus strand). Cytogenetic location: 21q22.11.
Variant type: Microsatellite.
Coding change: c.990AGA[1] on transcript NM_005534.4 (MANE Select); one copy of the 3-base unit AGA starting at c.990; the reference has two copies in a row; one copy, 3 bases deleted.
Protein change: p.Glu331del; deletes glutamic acid 331.
Molecular consequence: inframe deletion.
Genome position (GRCh38, 1-based): chr21:33,436,941-33,436,943, AGA deleted; deleting any 3 consecutive bases within chr21:33,436,937-33,436,943 gives the same sequence; the position shown is the placement nearest the transcript's 3' end. VCF-style (leftmost placement, unchanged base first): chr21-33436936-CAAG-C. GRCh37 (hg19) VCF-style: chr21-34809243-CAAG-C.
Other names: c.1047AGA[1], p.Glu350del (NM_001329128.2); short protein forms E331del, E350del.
Identifiers: ClinVar variation 1046008 (VCV001046008.4), dbSNP rs760530034, ClinGen allele CA10007089.